The following is an entry in ClinVar:

ClinVar aggregate classification (germline): Uncertain significance (1 of 4 stars; one submission).

Conditions:
Developmental and epileptic encephalopathy, 1 (DEE1). Also called: Epileptic encephalopathy, early infantile, 1; X-linked infantile spasms; West's syndrome; Tonic spasms with clustering, arrest of psychomotor development and hypsarrhythmia on EEG; X-Linked Infantile Spasm Syndrome; OHTAHARA SYNDROME, X-LINKED. Identifiers: MedGen C3463992, MONDO:0010632, OMIM 308350. Disease mechanism: loss of function.
Autosomal recessive spinocerebellar ataxia 12. Also called: SPINOCEREBELLAR ATAXIA WITH MENTAL RETARDATION AND EPILEPSY. Identifiers: Orphanet 284282, MedGen C3280452, MONDO:0013687, OMIM 614322.

Submission:

Labcorp Genetics (formerly Invitae), Labcorp
Classification: Uncertain significance for Developmental and epileptic encephalopathy, 1; Autosomal recessive spinocerebellar ataxia 12. Last evaluated: 2021-12-02. Review status: criteria provided, single submitter. Criteria: Invitae Variant Classification Sherloc (09022015). Collection method: clinical testing. Allele origin: germline.
Comment: In summary, the available evidence is currently insufficient to determine the role of this variant in disease. Therefore, it has been classified as a Variant of Uncertain Significance. Algorithms developed to predict the effect of missense changes on protein structure and function are either unavailable or do not agree on the potential impact of this missense change (SIFT: "Not Available"; PolyPhen-2: "Probably Damaging"; Align-GVGD: "Not Available"). This variant has not been reported in the literature in individuals affected with WWOX-related conditions. This variant is not present in population databases (gnomAD no frequency). This sequence change replaces proline with arginine at codon 217 of the WWOX protein (p.Pro217Arg). The proline residue is highly conserved and there is a moderate physicochemical difference between proline and arginine.

NM_016373.4(WWOX):c.650C>G (p.Pro217Arg)

Gene: WWOX (WW domain containing oxidoreductase; plus strand). Cytogenetic location: 16q23.1.
Variant type: single nucleotide variant.
Coding change: c.650C>G on transcript NM_016373.4 (MANE Select); coding-DNA position 650, C replaced by G.
Protein change: p.Pro217Arg; replaces proline 217 with arginine.
Molecular consequence: missense variant.
Genome position (GRCh38, 1-based): chr16:78,424,914, C>G. VCF-style: chr16-78424914-C-G. GRCh37 (hg19) VCF-style: chr16-78458811-C-G.
Other names: c.311C>G, p.Pro104Arg (NM_001291997.2); short protein forms P217R, P104R.
Identifiers: ClinVar variation 1473633 (VCV001473633.6), dbSNP rs777579075, ClinGen allele CA396842747.